The following is an entry in ClinVar:

ClinVar aggregate classification (germline): Uncertain significance (1 of 4 stars; one submission).

Allele frequency attached by ClinVar (database versions not stated): gnomAD exomes below 0.00001.
gnomAD v4.1: 2 of 1,614,176 alleles (0.00012%); highest among the groups gnomAD compares: Non-Finnish European, 0.00017%; no homozygotes.

Submission:

Labcorp Genetics (formerly Invitae), Labcorp
Classification: Uncertain significance. Last evaluated: 2024-02-17. Review status: criteria provided, single submitter. Criteria: Invitae Variant Classification Sherloc (09022015). Collection method: clinical testing. Allele origin: germline.
Comment: This sequence change replaces lysine, which is basic and polar, with arginine, which is basic and polar, at codon 711 of the SETBP1 protein (p.Lys711Arg). This variant is not present in population databases (gnomAD no frequency). This variant has not been reported in the literature in individuals affected with SETBP1-related conditions. Advanced modeling of protein sequence and biophysical properties (such as structural, functional, and spatial information, amino acid conservation, physicochemical variation, residue mobility, and thermodynamic stability) performed at Invitae indicates that this missense variant is not expected to disrupt SETBP1 protein function with a negative predictive value of 80%. In summary, the available evidence is currently insufficient to determine the role of this variant in disease. Therefore, it has been classified as a Variant of Uncertain Significance.

NM_015559.3(SETBP1):c.2132A>G (p.Lys711Arg)

Gene: SETBP1 (SET binding protein 1; plus strand). Cytogenetic location: 18q12.3.
Variant type: single nucleotide variant.
Coding change: c.2132A>G on transcript NM_015559.3 (MANE Select); coding-DNA position 2132, A replaced by G.
Protein change: p.Lys711Arg; replaces lysine 711 with arginine.
Molecular consequence: missense variant.
Genome position (GRCh38, 1-based): chr18:44,951,472, A>G. VCF-style: chr18-44951472-A-G. GRCh37 (hg19) VCF-style: chr18-42531437-A-G.
Other names: c.2132A>G, p.Lys711Arg (NM_001379141.1, NM_001379142.1); short protein forms K711R.
Identifiers: ClinVar variation 1471197 (VCV001471197.8), dbSNP rs2145103042, ClinGen allele CA402320461.